The following is an entry in ClinVar:

NM_020778.5(ALPK3):c.3842G>A (p.Arg1281Gln)

Gene: ALPK3 (alpha kinase 3; plus strand). Cytogenetic location: 15q25.3.
Variant type: single nucleotide variant.
Coding change: c.3842G>A on transcript NM_020778.5 (MANE Select); coding-DNA position 3842, G replaced by A.
Protein change: p.Arg1281Gln; replaces arginine 1281 with glutamine.
Molecular consequence: missense variant.
Genome position (GRCh38, 1-based): chr15:84,859,267, G>A. VCF-style: chr15-84859267-G-A. GRCh37 (hg19) VCF-style: chr15-85402498-G-A.
Other names: short protein forms R1281Q.
Identifiers: ClinVar variation 3602406 (VCV003602406.3).
Genomic context (GRCh38, chr15:84,859,267, plus strand): 5'-GGTGGTGTTCCCCTCTTGACTGGGCCCTGCTCTCAGCCCCACAGGTGATCCGGAAGATTC[G>A]GGTGGAGCAGTTTCCTGATGCCTCCGGTAGCCTGAAGCTGTGGTGCCAGTTTTTCAACAT-3'
Protein context (NP_065829.4, residues 1271-1291): LKAPQVIRKI[Arg1281Gln]VEQFPDASGS

ClinVar aggregate classification (germline): Uncertain significance. Review status: criteria provided, multiple submitters, no conflicts (2 of 4 stars). 2 submissions from 2 submitters: Uncertain significance (2). Last evaluated 2025-03-03.

Submissions (2):

Labcorp Genetics (formerly Invitae), Labcorp
Classification: Uncertain significance. Last evaluated: 2025-03-03. Review status: criteria provided, single submitter. Criteria: Invitae Variant Classification Sherloc (09022015). Collection method: clinical testing. Allele origin: germline.
Comment: This sequence change replaces arginine, which is basic and polar, with glutamine, which is neutral and polar, at codon 1483 of the ALPK3 protein (p.Arg1483Gln). This variant is present in population databases (no rsID available, gnomAD 0.006%). This variant has not been reported in the literature in individuals affected with ALPK3-related conditions. Invitae Evidence Modeling of protein sequence and biophysical properties (such as structural, functional, and spatial information, amino acid conservation, physicochemical variation, residue mobility, and thermodynamic stability) indicates that this missense variant is expected to disrupt ALPK3 protein function with a positive predictive value of 80%. In summary, the available evidence is currently insufficient to determine the role of this variant in disease. Therefore, it has been classified as a Variant of Uncertain Significance.

GeneDx
Classification: Uncertain significance. Last evaluated: 2024-07-28. Review status: criteria provided, single submitter. Criteria: GeneDx Variant Classification Process June 2021. Collection method: clinical testing. Allele origin: germline. Affected: yes.
Comment: Has not been previously published as pathogenic or benign to our knowledge; Not observed at significant frequency in large population cohorts (gnomAD); In silico analysis indicates that this missense variant does not alter protein structure/function